The following is an entry in ClinVar:

NM_001378183.1(PIEZO2):c.1853A>C (p.Lys618Thr)

Gene: PIEZO2 (piezo type mechanosensitive ion channel component 2; minus strand). Cytogenetic location: 18p11.22.
Variant type: single nucleotide variant.
Coding change: c.1853A>C on transcript NM_001378183.1 (MANE Select); coding-DNA position 1853, A replaced by C.
Protein change: p.Lys618Thr; replaces lysine 618 with threonine.
Molecular consequence: missense variant.
Genome position (GRCh38, 1-based): chr18:10,791,230, T>G on the plus strand (A>C on the coding strand, the complement: PIEZO2 is on the minus strand). VCF-style: chr18-10791230-T-G. GRCh37 (hg19) VCF-style: chr18-10791228-T-G.
Other names: c.1853A>C, p.Lys618Thr (NM_001410871.1, NM_022068.4); short protein forms K618T.
Identifiers: ClinVar variation 4278790 (VCV004278790.1).

ClinVar aggregate classification (germline): Uncertain significance (1 of 4 stars; one submission).

gnomAD v4.1: 1 of 1,536,308 alleles (0.000065%); highest among the groups gnomAD compares: Non-Finnish European, 0.000087%; no homozygotes.

Submission:

GeneDx
Classification: Uncertain significance. Last evaluated: 2025-04-02. Review status: criteria provided, single submitter. Criteria: GeneDx Variant Classification Process June 2021. Collection method: clinical testing. Allele origin: germline. Affected: yes.
Comment: Not observed at significant frequency in large population cohorts (gnomAD); In silico analysis indicates that this missense variant does not alter protein structure/function; Has not been previously published as pathogenic or benign to our knowledge